The following is an entry in ClinVar:

ClinVar aggregate classification (germline): Uncertain significance. Review status: criteria provided, multiple submitters, no conflicts (2 of 4 stars). 4 submissions from 4 submitters: Uncertain significance (3). 1 of the submissions does not count toward it. Last evaluated 2023-12-10.

Conditions:
Glycogen storage disease type III (GSD3). Also called: Cori disease; FORBES DISEASE. Identifiers: Orphanet 366, MedGen C0017922, MONDO:0009291, OMIM 232400.

Allele frequency attached by ClinVar (database versions not stated): gnomAD exomes below 0.00001; gnomAD 0.00001; TOPMed 0.00001.
gnomAD v4.1: 3 of 1,613,064 alleles (0.00019%); highest among the groups gnomAD compares: Admixed American, 0.0017%; no homozygotes.

Submissions (4):

Labcorp Genetics (formerly Invitae), Labcorp
Classification: Uncertain significance for Glycogen storage disease type III. Last evaluated: 2023-12-10. Review status: criteria provided, single submitter. Criteria: Invitae Variant Classification Sherloc (09022015). Collection method: clinical testing. Allele origin: germline.
Comment: This sequence change falls in intron 23 of the AGL gene. It does not directly change the encoded amino acid sequence of the AGL protein. This variant is not present in population databases (gnomAD no frequency). This variant has not been reported in the literature in individuals affected with AGL-related conditions. ClinVar contains an entry for this variant (Variation ID: 972168). Algorithms developed to predict the effect of sequence changes on RNA splicing suggest that this variant may disrupt the consensus splice site. In summary, the available evidence is currently insufficient to determine the role of this variant in disease. Therefore, it has been classified as a Variant of Uncertain Significance.

GeneDx
Classification: Uncertain significance. Last evaluated: 2023-07-21. Review status: criteria provided, single submitter. Criteria: GeneDx Variant Classification Process June 2021. Collection method: clinical testing. Allele origin: germline. Affected: yes.
Comment: Not observed at significant frequency in large population cohorts (gnomAD); In silico analysis supports a deleterious effect on splicing; Has not been previously published as pathogenic or benign to our knowledge

Department of Pathology and Laboratory Medicine, Sinai Health System
Classification: Uncertain significance for Glycogen storage disease type III. Last evaluated: 2023-01-06. Review status: criteria provided, single submitter. Criteria: ACMG Guidelines, 2015. Collection method: research. Allele origin: germline.

Natera, Inc.
Classification: Uncertain significance for Glycogen storage disease type III. Last evaluated: 2020-01-17. Review status: no assertion criteria provided. Collection method: clinical testing. Allele origin: germline. Not counted in ClinVar's aggregate classification.

NM_000642.3(AGL):c.3084-5T>G

Gene: AGL (amylo-alpha-1,6-glucosidase and 4-alpha-glucanotransferase; plus strand). Cytogenetic location: 1p21.2.
Variant type: single nucleotide variant.
Coding change: c.3084-5T>G on transcript NM_000642.3 (MANE Select); 5 bases into the intron before coding-DNA position 3084, T replaced by G.
Molecular consequence: intron variant.
Genome position (GRCh38, 1-based): chr1:99,892,427, T>G. VCF-style: chr1-99892427-T-G. GRCh37 (hg19) VCF-style: chr1-100357983-T-G.
Other names: c.3036-5T>G (NM_000646.3); c.3063-5T>G (NM_001425326.1); c.2883-5T>G (NM_001425327.1); c.2880-5T>G (NM_001425328.1); c.2745-5T>G (NM_001425329.1); c.2706-5T>G (NM_001425332.1); c.3084-5T>G (NM_001425325.1, NM_000028.3, NM_000643.3 and 1 more transcripts).
Identifiers: ClinVar variation 972168 (VCV000972168.13), dbSNP rs886178367, ClinGen allele CA27527688.
Genomic context (GRCh38, chr1:99,892,427, plus strand): 5'-AAGTAAAATAAAACTGCTAAAAATTGTATTTCTACAAGTAATAAATTCAATCACTTTTGT[T>G]ACAGCTTTGTTCAGAATGGTTCAACCTTTGTGAAACACCTTTCATTGGGTTCAGTTCAAC-3'